The following is an entry in ClinVar:

ClinVar aggregate classification (germline): Benign/Likely benign. Review status: criteria provided, multiple submitters, no conflicts (2 of 4 stars). 4 submissions from 4 submitters: Benign (1); Likely benign (2). 1 of the submissions does not count toward it. Last evaluated 2025-02-15.

Conditions:
PKD1L1-related disorder. Also called: PKD1L1-related condition.

Allele frequency attached by ClinVar (database versions not stated): gnomAD exomes 0.00009; ExAC 0.00036; 1000 Genomes Project 0.00080; ESP Exome Variant Server 0.00092; 1000 Genomes Project 30x 0.00094; gnomAD 0.00119.

Submissions (4):

Labcorp Genetics (formerly Invitae), Labcorp
Classification: Benign. Last evaluated: 2025-02-15. Review status: criteria provided, single submitter. Criteria: Invitae Variant Classification Sherloc (09022015). Collection method: clinical testing. Allele origin: germline.

Blueprint Genetics
Classification: Likely benign. Last evaluated: 2024-08-30. Review status: criteria provided, single submitter. Criteria: ACMG Guidelines, 2015. Collection method: clinical testing. Allele origin: germline.

CeGaT Center for Human Genetics Tuebingen
Classification: Likely benign. Last evaluated: 2023-12-01. Review status: criteria provided, single submitter. Criteria: CeGaT Center For Human Genetics Tuebingen Variant Classification Criteria Version 2. Collection method: clinical testing. Allele origin: germline. Affected: yes. Observed: 1 variant allele.
Comment: PKD1L1: BP4, BP7

PreventionGenetics, part of Exact Sciences
Classification: Likely benign for PKD1L1-related condition. Last evaluated: 2019-10-17. Review status: no assertion criteria provided. Collection method: clinical testing. Allele origin: germline. Not counted in ClinVar's aggregate classification.
Comment: This variant is classified as likely benign based on ACMG/AMP sequence variant interpretation guidelines (Richards et al. 2015 PMID: 25741868, with internal and published modifications).

NM_138295.5(PKD1L1):c.5733G>A (p.Glu1911=)

Gene: PKD1L1 (polycystin 1 like 1, transient receptor potential channel interacting; minus strand). Cytogenetic location: 7p12.3.
Variant type: single nucleotide variant.
Coding change: c.5733G>A on transcript NM_138295.5 (MANE Select); coding-DNA position 5733, G replaced by A.
Protein change: p.Glu1911=; no amino-acid change (glutamic acid 1911 retained).
Molecular consequence: synonymous variant.
Genome position (GRCh38, 1-based): chr7:47,839,482, C>T on the plus strand (G>A on the coding strand, the complement: PKD1L1 is on the minus strand). VCF-style: chr7-47839482-C-T. GRCh37 (hg19) VCF-style: chr7-47879080-C-T.
Other names: c.5733G>A (NM_138295.3).
Identifiers: ClinVar variation 2772837 (VCV002772837.27), dbSNP rs143055534, ClinGen allele CA4252762.
Genomic context (GRCh38, chr7:47,839,482, plus strand): 5'-AGAGGCCACCTGGAGGGAGCCTACCTTCCGGAAGCCGAGTCCCCCTTGCAGACAGGTGAG[C>T]TCCCGCTCCACGCGACCATCATGCCTGCCGGCAGACAGCCAGCACTGGGCAGGGAAGAAC-3'
Protein context (NP_612152.1, residues 1901-1921): AGRHDGRVER[Glu1911=]LTCLQGGLGF